The following is an entry in ClinVar:

ClinVar aggregate classification (germline): Uncertain significance (1 of 4 stars; one submission).

Conditions:
Charcot-Marie-Tooth disease dominant intermediate B (CMTDIB). Also called: CHARCOT-MARIE-TOOTH NEUROPATHY, DOMINANT INTERMEDIATE B; Charcot-Marie-Tooth disease dominant intermediate 1; CMT DI1; Charcot-Marie-Tooth disease dominant intermediate I. Identifiers: Orphanet 100044, Orphanet 228179, MedGen C1847902, MONDO:0011674, OMIM 606482.

Submission:

Labcorp Genetics (formerly Invitae), Labcorp
Classification: Uncertain significance for Charcot-Marie-Tooth disease dominant intermediate B. Last evaluated: 2025-11-12. Review status: criteria provided, single submitter. Criteria: Invitae Variant Classification Sherloc (09022015). Collection method: clinical testing. Allele origin: germline.
Comment: This sequence change replaces threonine, which is neutral and polar, with asparagine, which is neutral and polar, at codon 353 of the DNM2 protein (p.Thr353Asn). This variant is not present in population databases (gnomAD no frequency). This missense change has been observed in individuals with Charcot-Marie-Tooth disease (internal data). ClinVar contains an entry for this variant (Variation ID: 2126608). Invitae Evidence Modeling of protein sequence and biophysical properties (such as structural, functional, and spatial information, amino acid conservation, physicochemical variation, residue mobility, and thermodynamic stability) has been performed for this missense variant. However, the output from this modeling did not meet the statistical confidence thresholds required to predict the impact of this variant on DNM2 protein function. In summary, the available evidence is currently insufficient to determine the role of this variant in disease. Therefore, it has been classified as a Variant of Uncertain Significance.

NM_001005361.3(DNM2):c.1058C>A (p.Thr353Asn)

Gene: DNM2 (dynamin 2; plus strand). Cytogenetic location: 19p13.2.
Variant type: single nucleotide variant.
Coding change: c.1058C>A on transcript NM_001005361.3 (MANE Select); coding-DNA position 1058, C replaced by A.
Protein change: p.Thr353Asn; replaces threonine 353 with asparagine.
Molecular consequence: missense variant.
Genome position (GRCh38, 1-based): chr19:10,793,785, C>A. VCF-style: chr19-10793785-C-A. GRCh37 (hg19) VCF-style: chr19-10904461-C-A.
Other names: c.1058C>A, p.Thr353Asn (NM_001005360.3, NM_001005362.3, NM_001190716.2 and 1 more transcripts); short protein forms T353N.
Identifiers: ClinVar variation 2126608 (VCV002126608.4), dbSNP rs2513224356, ClinGen allele CA404047950.
Genomic context (GRCh38, chr19:10,793,785, plus strand): 5'-TCCAGCAGTTTGGGGTGGATTTTGAGAAGAGGATCGAGGGCTCAGGAGATCAGGTGGACA[C>A]TCTGGAGCTCTCCGGGGGCGCCCGAATCAATCGCATCTTCCACGAGCGGTTCCCATTTGA-3'
Protein context (NP_001005361.1, residues 343-363): RIEGSGDQVD[Thr353Asn]LELSGGARIN